The following is an entry in ClinVar:

ClinVar aggregate classification (germline): Pathogenic (1 of 4 stars; one submission).

Conditions:
Brain small vessel disease 2A, autosomal dominant. Also called: Porencephaly 2. Identifiers: Orphanet 2940, Orphanet 99810, MedGen C3280970, MONDO:0013773, OMIM 614483.

Submission:

Baylor Genetics
Classification: Pathogenic for Brain small vessel disease 2A, autosomal dominant. Last evaluated: 2017-09-01. Review status: criteria provided, single submitter. Criteria: ACMG Guidelines, 2015. Collection method: clinical testing. Allele origin: germline. Inheritance: Autosomal dominant inheritance. Affected: yes.
Comment: This splice mutation is categorized as deleterious according to ACMG guidelines (PMID:18414213).

Literature cited by the submitters: PubMed 25326635.

NM_001846.4(COL4A2):c.316-1G>C

Gene: COL4A2 (collagen type IV alpha 2 chain; plus strand). Cytogenetic location: 13q34.
Variant type: single nucleotide variant.
Coding change: c.316-1G>C on transcript NM_001846.4 (MANE Select); the canonical splice acceptor site of the intron before coding-DNA position 316, G replaced by C.
Molecular consequence: splice acceptor variant.
Genome position (GRCh38, 1-based): chr13:110,424,952, G>C. VCF-style: chr13-110424952-G-C. GRCh37 (hg19) VCF-style: chr13-111077299-G-C.
Identifiers: ClinVar variation 560985 (VCV000560985.2), dbSNP rs1566525717, ClinGen allele CA388728152.
Genomic context (GRCh38, chr13:110,424,952, plus strand): 5'-CTGGCCTCATGAGGGTGGCGGGTATCTCAGCCTTGGTTAATTGCATTTGCTTTCTTCATA[G>C]GGAGCAAGAGGCGTTTCTGGATTCCCTGGTGCCGATGGAATTCCTGTAAGTTTTATGGAA-3'